The following is an entry in ClinVar:

ClinVar aggregate classification (germline): Likely benign (1 of 4 stars; one submission).

Allele frequency attached by ClinVar (database versions not stated): 1000 Genomes Project 0.00020; gnomAD 0.00036; 1000 Genomes Project 30x 0.00047.
gnomAD v4.1: 54 of 151,470 alleles (0.036%); highest among the groups gnomAD compares: African/African-American, 0.12%; no homozygotes.

Submission:

CeGaT Center for Human Genetics Tuebingen
Classification: Likely benign. Last evaluated: 2026-09-01. Review status: criteria provided, single submitter. Criteria: CeGaT Center For Human Genetics Tuebingen Variant Classification Criteria Version 2. Collection method: clinical testing. Allele origin: germline. Affected: yes. Observed: 2 variant alleles.
Comment: BRAF: BS1

NM_004333.6(BRAF):c.980+1670G>A

Gene: BRAF (B-Raf proto-oncogene, serine/threonine kinase; minus strand). Cytogenetic location: 7q34.
Variant type: single nucleotide variant.
Coding change: c.980+1670G>A on transcript NM_004333.6 (MANE Select); 1670 bases into the intron after coding-DNA position 980, G replaced by A.
Molecular consequence: intron variant.
Genome position (GRCh38, 1-based): chr7:140,798,692, C>T on the plus strand (G>A on the coding strand, the complement: BRAF is on the minus strand). VCF-style: chr7-140798692-C-T. GRCh37 (hg19) VCF-style: chr7-140498492-C-T.
Other names: c.980+1670G>A (NM_001378474.1, NM_001378471.1, NM_001378468.1 and 4 more transcripts); c.878+1670G>A (NM_001378470.1); c.716+1670G>A (NM_001378475.1); c.989+1670G>A (NM_001378467.1); c.824+1670G>A (NM_001378472.1, NM_001378473.1).
Identifiers: ClinVar variation 2658088 (VCV002658088.24), dbSNP rs193247273, ClinGen allele CA168104404.